The following is an entry in ClinVar:

NM_000455.5(STK11):c.738C>G (p.Tyr246Ter)

Gene: STK11 (serine/threonine kinase 11; plus strand). Cytogenetic location: 19p13.3.
Variant type: single nucleotide variant.
Coding change: c.738C>G on transcript NM_000455.5 (MANE Select); coding-DNA position 738, C replaced by G.
Protein change: p.Tyr246Ter; replaces tyrosine 246 with a stop codon.
Molecular consequence: nonsense.
Genome position (GRCh38, 1-based): chr19:1,221,216, C>G. VCF-style: chr19-1221216-C-G. GRCh37 (hg19) VCF-style: chr19-1221215-C-G.
Other names: short protein forms Y246*.
Identifiers: ClinVar variation 7460 (VCV000007460.6), dbSNP rs137853083, ClinGen allele CA023261.

ClinVar aggregate classification (germline): Pathogenic. Review status: criteria provided, single submitter (1 of 4 stars). 2 submissions from 2 submitters: Pathogenic (1). 1 of the submissions does not count toward it. Last evaluated 2022-08-03.

Conditions:
Peutz-Jeghers syndrome (PJS). Also called: Peutz-Jeghers polyposis; Periorificial lentiginosis syndrome; POLYPOSIS, HAMARTOMATOUS INTESTINAL; POLYPS-AND-SPOTS SYNDROME. Identifiers: Orphanet 2869, MedGen C0031269, MeSH D010580, MONDO:0008280, OMIM 175200.

Submissions (2):

Labcorp Genetics (formerly Invitae), Labcorp
Classification: Pathogenic for Peutz-Jeghers syndrome. Last evaluated: 2022-08-03. Review status: criteria provided, single submitter. Criteria: Invitae Variant Classification Sherloc (09022015). Collection method: clinical testing. Allele origin: germline.
Comment: This variant is not present in population databases (gnomAD no frequency). This sequence change creates a premature translational stop signal (p.Tyr246*) in the STK11 gene. It is expected to result in an absent or disrupted protein product. Loss-of-function variants in STK11 are known to be pathogenic (PMID: 15188174, 16287113). This premature translational stop signal has been observed in individual(s) with Peutz-Jeghers syndrome (PMID: 15200509, 32462036). ClinVar contains an entry for this variant (Variation ID: 7460). Algorithms developed to predict the effect of sequence changes on RNA splicing suggest that this variant may create or strengthen a splice site. For these reasons, this variant has been classified as Pathogenic.

OMIM
Classification: Pathogenic for PEUTZ-JEGHERS SYNDROME. Last evaluated: 2004-07-01. Review status: no assertion criteria provided. Collection method: literature only. Allele origin: germline. Not counted in ClinVar's aggregate classification.

Literature cited by the submitters: PubMed 15188174 (cited by Labcorp Genetics (formerly Invitae), Labcorp); PubMed 16287113 (cited by Labcorp Genetics (formerly Invitae), Labcorp); PubMed 15200509 (cited by Labcorp Genetics (formerly Invitae), Labcorp and OMIM); PubMed 32462036 (cited by Labcorp Genetics (formerly Invitae), Labcorp).